The following is an entry in ClinVar:

NM_022463.5(NXN):c.244C>T (p.Pro82Ser)

Gene: NXN (nucleoredoxin; minus strand). Cytogenetic location: 17p13.3.
Variant type: single nucleotide variant.
Coding change: c.244C>T on transcript NM_022463.5 (MANE Select); coding-DNA position 244, C replaced by T.
Protein change: p.Pro82Ser; replaces proline 82 with serine.
Molecular consequence: missense variant.
Genome position (GRCh38, 1-based): chr17:979,435, G>A on the plus strand (C>T on the coding strand, the complement: NXN is on the minus strand). VCF-style: chr17-979435-G-A. GRCh37 (hg19) VCF-style: chr17-882675-G-A.
Other names: short protein forms P82S.
Identifiers: ClinVar variation 3609981 (VCV003609981.2).

ClinVar aggregate classification (germline): Uncertain significance (1 of 4 stars; one submission).

gnomAD v4.1: 8 of 1,307,928 alleles (0.00061%); highest among the groups gnomAD compares: Admixed American, 0.0057%; no homozygotes.

Submission:

Labcorp Genetics (formerly Invitae), Labcorp
Classification: Uncertain significance. Last evaluated: 2024-12-18. Review status: criteria provided, single submitter. Criteria: Invitae Variant Classification Sherloc (09022015). Collection method: clinical testing. Allele origin: germline.
Comment: This sequence change replaces proline, which is neutral and non-polar, with serine, which is neutral and polar, at codon 82 of the NXN protein (p.Pro82Ser). The frequency data for this variant in the population databases is considered unreliable, as metrics indicate poor data quality at this position in the gnomAD database. This variant has not been reported in the literature in individuals affected with NXN-related conditions. An algorithm developed to predict the effect of missense changes on protein structure and function (PolyPhen-2) suggests that this variant is likely to be tolerated. In summary, the available evidence is currently insufficient to determine the role of this variant in disease. Therefore, it has been classified as a Variant of Uncertain Significance.